The following is an entry in ClinVar:

ClinVar aggregate classification (germline): Likely benign. Review status: criteria provided, multiple submitters, no conflicts (2 of 4 stars). 2 submissions from 2 submitters: Likely benign (2). Last evaluated 2025-12-13.

Conditions:
Hereditary cancer-predisposing syndrome. Also called: Hereditary neoplastic syndrome; Neoplastic Syndromes, Hereditary; Tumor predisposition; Hereditary Cancer Syndrome. Identifiers: Orphanet 140162, MedGen C0027672, MeSH D009386, MONDO:0015356.
Neurofibromatosis, type 1 (NF1). Also called: VON RECKLINGHAUSEN DISEASE; Peripheral type neurofibromatosis; NEUROFIBROMATOSIS, TYPE I, SOMATIC; Neurofibromatosis, type I. Identifiers: Orphanet 636, MedGen C0027831, MONDO:0018975, OMIM 162200. Disease mechanism: loss of function.

Allele frequency attached by ClinVar (database versions not stated): gnomAD exomes below 0.00001 and 0.00002; TOPMed below 0.00001.
gnomAD v4.1: 30 of 1,594,296 alleles (0.0019%); highest among the groups gnomAD compares: Non-Finnish European, 0.0026%; no homozygotes.

Submissions (2):

Labcorp Genetics (formerly Invitae), Labcorp
Classification: Likely benign for Neurofibromatosis, type 1. Last evaluated: 2025-12-13. Review status: criteria provided, single submitter. Criteria: Invitae Variant Classification Sherloc (09022015). Collection method: clinical testing. Allele origin: germline.

Ambry Genetics
Classification: Likely benign for Hereditary cancer-predisposing syndrome. Last evaluated: 2016-02-24. Review status: criteria provided, single submitter. Criteria: Ambry Autosomal Dominant and X-Linked criteria (10/2015). Collection method: clinical testing. Allele origin: germline. Observed: 1 variant allele.
Comment: Synonymous alterations with insufficient evidence to classify as benign

NM_001042492.3(NF1):c.585G>A (p.Lys195=)

Gene: NF1 (neurofibromin 1; plus strand). Cytogenetic location: 17q11.2.
Variant type: single nucleotide variant.
Coding change: c.585G>A on transcript NM_001042492.3 (MANE Select); coding-DNA position 585, G replaced by A.
Protein change: p.Lys195=; no amino-acid change (lysine 195 retained).
Molecular consequence: synonymous variant.
Genome position (GRCh38, 1-based): chr17:31,169,996, G>A. VCF-style: chr17-31169996-G-A. GRCh37 (hg19) VCF-style: chr17-29497014-G-A.
Other names: c.585G>A, p.Lys195= (NM_000267.4, NM_001128147.3).
Identifiers: ClinVar variation 484020 (VCV000484020.10), dbSNP rs918734204, ClinGen allele CA289329301.